The following is an entry in ClinVar:

ClinVar aggregate classification (germline): Conflicting classifications of pathogenicity. Review status: criteria provided, conflicting classifications (1 of 4 stars). 7 submissions from 7 submitters: Uncertain significance (1); Benign (1); Likely benign (4). 1 of the submissions does not count toward it. Last evaluated 2026-01-26.

Conditions:
Joubert syndrome. Also called: Familial aplasia of the vermis; JOUBERT-BOLTSHAUSER SYNDROME. Identifiers: Orphanet 475, MedGen C5979921, MONDO:0018772.
Nephronophthisis. Also called: Juvenile Nephronophthisis. Identifiers: Orphanet 655, MedGen C0687120, MONDO:0019005, HP:0000090.
Meckel-Gruber syndrome. Also called: DYSENCEPHALIA SPLANCHNOCYSTICA; Dysencephalia splachnocystica; GRUBER SYNDROME. Identifiers: Orphanet 564, MedGen C0265215, MONDO:0018921.
Leber congenital amaurosis (LCA). Also called: Leber's amaurosis. Identifiers: Orphanet 65, MedGen C0339527, MeSH D057130, MONDO:0018998.

Allele frequency attached by ClinVar (database versions not stated): gnomAD exomes 0.00010 and 0.00022; 1000 Genomes Project 0.00040; 1000 Genomes Project 30x 0.00047; ExAC 0.00057; ESP Exome Variant Server 0.00094; gnomAD 0.00098 and 0.00107; TOPMed 0.00119.
gnomAD v4.1: 288 of 1,440,628 alleles (0.02%); highest among the groups gnomAD compares: African/African-American, 0.37%; no homozygotes.

Submissions (7):

Labcorp Genetics (formerly Invitae), Labcorp
Classification: Benign for Joubert syndrome; Meckel-Gruber syndrome; Nephronophthisis. Last evaluated: 2026-01-26. Review status: criteria provided, single submitter. Criteria: Invitae Variant Classification Sherloc (09022015). Collection method: clinical testing. Allele origin: germline.

CeGaT Center for Human Genetics Tuebingen
Classification: Likely benign. Last evaluated: 2025-07-01. Review status: criteria provided, single submitter. Criteria: CeGaT Center For Human Genetics Tuebingen Variant Classification Criteria Version 2. Collection method: clinical testing. Allele origin: germline. Affected: yes. Observed: 2 variant alleles.
Comment: CEP290: BP4, BP7

Blueprint Genetics
Classification: Likely benign. Last evaluated: 2022-11-30. Review status: criteria provided, single submitter. Criteria: ACMG Guidelines, 2015. Collection method: clinical testing. Allele origin: germline.

GeneDx
Classification: Likely benign. Last evaluated: 2021-06-11. Review status: criteria provided, single submitter. Criteria: GeneDx Variant Classification Process June 2021. Collection method: clinical testing. Allele origin: germline. Affected: yes.
Comment: This variant is associated with the following publications: (PMID: 28912962)

Eurofins Ntd Llc (ga)
Classification: Uncertain significance. Last evaluated: 2016-09-29. Review status: criteria provided, single submitter. Criteria: EGL Classification Definitions 2015. Collection method: clinical testing. Allele origin: germline. Observed: 3 variant alleles, 3 heterozygotes.

Genetic Services Laboratory, University of Chicago
Classification: Likely benign. Last evaluated: 2016-02-25. Review status: criteria provided, single submitter. Criteria: ACMG Guidelines, 2015. Collection method: clinical testing. Allele origin: germline. Affected: no.

Natera, Inc.
Classification: Uncertain significance for Leber congenital amaurosis. Last evaluated: 2020-04-17. Review status: no assertion criteria provided. Collection method: clinical testing. Allele origin: germline. Not counted in ClinVar's aggregate classification.

NM_025114.4(CEP290):c.1716A>G (p.Leu572=)

Gene: CEP290 (centrosomal protein 290; minus strand). Cytogenetic location: 12q21.32.
Variant type: single nucleotide variant.
Coding change: c.1716A>G on transcript NM_025114.4 (MANE Select); coding-DNA position 1716, A replaced by G.
Protein change: p.Leu572=; no amino-acid change (leucine 572 retained).
Molecular consequence: synonymous variant.
Genome position (GRCh38, 1-based): chr12:88,117,141, T>C on the plus strand (A>G on the coding strand, the complement: CEP290 is on the minus strand). VCF-style: chr12-88117141-T-C. GRCh37 (hg19) VCF-style: chr12-88510918-T-C.
Identifiers: ClinVar variation 194894 (VCV000194894.36), dbSNP rs372349042, ClinGen allele CA241104.
Genomic context (GRCh38, chr12:88,117,141, plus strand): 5'-TCTTTCACTTATTCTATCTCCTTGAGAAATGTTTTCAGTTAGGTTCAGGTCCTCAGTGGT[T>C]AATCCTATATATAAGAGAATTAACAAACTAAAAACATTAAAATAACCCTCCTACTATTCC-3'
Protein context (NP_079390.3, residues 562-582): ERGKRSATSG[Leu572=]TTEDLNLTEN